The following is an entry in ClinVar:

NM_177924.5(ASAH1):c.959A>G (p.Asn320Ser)

Gene: ASAH1 (N-acylsphingosine amidohydrolase 1; minus strand). Cytogenetic location: 8p22.
Variant type: single nucleotide variant.
Coding change: c.959A>G on transcript NM_177924.5 (MANE Select); coding-DNA position 959, A replaced by G.
Protein change: p.Asn320Ser; replaces asparagine 320 with serine.
Molecular consequence: missense variant.
Genome position (GRCh38, 1-based): chr8:18,059,423, T>C on the plus strand (A>G on the coding strand, the complement: ASAH1 is on the minus strand). VCF-style: chr8-18059423-T-C. GRCh37 (hg19) VCF-style: chr8-17916932-T-C.
Other names: c.959A>G (NM_177924.3); c.941A>G, p.Asn314Ser (NM_001127505.3); c.764A>G, p.Asn255Ser (NM_001363743.2); c.1007A>G, p.Asn336Ser (NM_004315.6); short protein forms N255S, N314S, N320S, N336S.
Identifiers: ClinVar variation 812494 (VCV000812494.5), dbSNP rs1588974267, ClinGen allele CA370427525.

ClinVar aggregate classification (germline): Likely pathogenic. Review status: criteria provided, multiple submitters, no conflicts (2 of 4 stars). 2 submissions from 2 submitters: Likely pathogenic (2). Last evaluated 2019-07-23.

Conditions:
Farber lipogranulomatosis (FRBRL). Also called: AC DEFICIENCY; ACID CERAMIDASE DEFICIENCY; CERAMIDASE DEFICIENCY; N-LAURYLSPHINGOSINE DEACYLASE DEFICIENCY; Farber's lipogranulomatosis; Farber's disease. Identifiers: Orphanet 333, MedGen C0268255, MONDO:0009218, OMIM 228000.

Submissions (2):

Revvity Omics, Revvity
Classification: Likely pathogenic. Last evaluated: 2019-07-23. Review status: criteria provided, single submitter. Criteria: ACMG Guidelines, 2015. Collection method: clinical testing. Allele origin: germline.

Medical Affairs, Dicerna Pharmaceuticals
Classification: Likely pathogenic for Farber lipogranulomatosis. Last evaluated: 2019-06-19. Review status: criteria provided, single submitter. Criteria: ACMG Guidelines, 2015. Collection method: literature only. Allele origin: inherited. Inheritance: Autosomal recessive inheritance. Affected: yes. Observed: 1 variant allele.
Comment: Variant c.959A>G has been classified as likely pathogenic using the following rationale. The patient described in Bashyam et al., 2014, doi: 10.1111/cge.12316 was diagnosed with early-onset, severe Farber disease symptoms characteristic of Type 1 Farber disease idscussed in Gene Reviews. Genetic sequencing revealed homozygous c.959A>G variants that were inherited from the parents according to biparental segregation. Variant affects on protein structure were predicted using HANSA software. Variant c.959A>G is predicted to abolish H-bonds altering the catalytic site structure. Additionally, variant N320D has been recorded in Clinvar as pathogenic. It is suggested that transition of the amino acid at position 320 negatively affects acid ceramidase activity and supports the likely pathogenic status of c.959A>G.

Literature cited by the submitters: DOI 10.1111/cge.12316 (cited by Medical Affairs, Dicerna Pharmaceuticals).